The following is an entry in ClinVar:

ClinVar aggregate classification (germline): Likely benign. Review status: criteria provided, single submitter (1 of 4 stars). 2 submissions from 2 submitters: Likely benign (1). 1 of the submissions does not count toward it. Last evaluated 2025-12-14.

Conditions:
MESD-related disorder. Also called: MESD-related condition.

Allele frequency attached by ClinVar (database versions not stated): TOPMed 0.00008; 1000 Genomes Project 30x 0.00016; 1000 Genomes Project 0.00020; ExAC 0.00032; gnomAD 0.00047.
gnomAD v4.1: 389 of 1,614,180 alleles (0.024%); highest among the groups gnomAD compares: Middle Eastern, 0.016%; 1 homozygote.

Submissions (2):

Labcorp Genetics (formerly Invitae), Labcorp
Classification: Likely benign. Last evaluated: 2025-12-14. Review status: criteria provided, single submitter. Criteria: Invitae Variant Classification Sherloc (09022015). Collection method: clinical testing. Allele origin: germline.

PreventionGenetics, part of Exact Sciences
Classification: Likely benign for MESD-related condition. Last evaluated: 2022-03-29. Review status: no assertion criteria provided. Collection method: clinical testing. Allele origin: germline. Not counted in ClinVar's aggregate classification.
Comment: This variant is classified as likely benign based on ACMG/AMP sequence variant interpretation guidelines (Richards et al. 2015 PMID: 25741868, with internal and published modifications).

NM_015154.3(MESD):c.467G>A (p.Arg156His)

Gene: MESD (mesoderm development LRP chaperone; minus strand). Cytogenetic location: 15q25.1.
Variant type: single nucleotide variant.
Coding change: c.467G>A on transcript NM_015154.3 (MANE Select); coding-DNA position 467, G replaced by A.
Protein change: p.Arg156His; replaces arginine 156 with histidine.
Molecular consequence: missense variant. On other transcripts: non-coding transcript variant (1).
Genome position (GRCh38, 1-based): chr15:80,979,457, C>T on the plus strand (G>A on the coding strand, the complement: MESD is on the minus strand). VCF-style: chr15-80979457-C-T. GRCh37 (hg19) VCF-style: chr15-81271798-C-T.
Other names: c.467G>A (NM_015154.2); short protein forms R156H.
Identifiers: ClinVar variation 2068513 (VCV002068513.6), dbSNP rs185628590, ClinGen allele CA7693900.